The following is an entry in ClinVar:

NM_014625.4(NPHS2):c.538G>A (p.Val180Met)

Gene: NPHS2 (NPHS2 stomatin family member, podocin; minus strand). Cytogenetic location: 1q25.2.
Variant type: single nucleotide variant.
Coding change: c.538G>A on transcript NM_014625.4 (MANE Select); coding-DNA position 538, G replaced by A.
Protein change: p.Val180Met; replaces valine 180 with methionine.
Molecular consequence: missense variant. On other transcripts: intron variant (1).
Genome position (GRCh38, 1-based): chr1:179,557,227, C>T on the plus strand (G>A on the coding strand, the complement: NPHS2 is on the minus strand). VCF-style: chr1-179557227-C-T. GRCh37 (hg19) VCF-style: chr1-179526362-C-T.
Other names: c.534+2452G>A (NM_001297575.2); short protein forms V180M.
Identifiers: ClinVar variation 5368 (VCV000005368.36), dbSNP rs74315347, ClinGen allele CA117458.
Genomic context (GRCh38, chr1:179,557,227, plus strand): 5'-CATTTTCCATTCGGTAGTAGCAAATGGCATCTATCTCCATTATAAACATGTCTTTGGTCA[C>T]GATCTAGGCAGAAAAAAGTTTGGATGACAGGCTTGATTCTTGGGCTCCTTTCCTATGTGG-3'
Protein context (NP_055440.1, residues 170-190): QTLEIPFHEI[Val180Met]TKDMFIMEID

ClinVar aggregate classification (germline): Pathogenic. Review status: criteria provided, multiple submitters, no conflicts (2 of 4 stars). 19 submissions from 19 submitters: Pathogenic (15). 4 of the submissions do not count toward it. Last evaluated 2026-04-24.

Conditions:
NPHS2-related disorder. Also called: NPHS2-related condition.
Nephrotic syndrome, type 2 (NPHS2). Also called: NEPHROTIC SYNDROME, STEROID-RESISTANT, AUTOSOMAL RECESSIVE. Identifiers: Orphanet 656, MedGen C1868672, MONDO:0010974, OMIM 600995.
Steroid-resistant nephrotic syndrome. Identifiers: MedGen C0403397, MONDO:0044765, HP:0012588.

Allele frequency attached by ClinVar (database versions not stated): gnomAD 0.00001; gnomAD exomes 0.00001; TOPMed 0.00001; ExAC 0.00002.
gnomAD v4.1: 25 of 1,613,768 alleles (0.0015%); highest among the groups gnomAD compares: Middle Eastern, 0.017%; no homozygotes.

Submissions (19):

PreventionGenetics, part of Exact Sciences
Classification: Pathogenic for NPHS2-related condition. Last evaluated: 2026-04-24. Review status: criteria provided, single submitter. Criteria: ACMG Guidelines, 2015. Collection method: clinical testing. Allele origin: germline.
Comment: The NPHS2 c.538G>A variant is predicted to result in the amino acid substitution p.Val180Met. This variant has been reported as homozygous or compound heterozygous states in multiple individuals with steroid-resistant nephrotic syndrome (Table S2, Gorukmez et al. 2023. PubMed ID: 36964972; Mbarek et al. 2010. PubMed ID: 21125408; Sadowski et al. 2014. PubMed ID: 25349199). This variant has been reported to be pathogenic for steroid-resistant nephrotic syndrome likely due to abnormal trafficking of the mutant protein (Boute et al. 2000. PubMed ID: 10742096; Sharief et al. 2019. PubMed ID: 30721404; functional analysis at Nishibori et al. 2004. PubMed ID: 15496146). This variant is reported in 0.0033% of alleles in individuals of South Asian descent in gnomAD. This variant is interpreted as pathogenic.

Natera, Inc.
Classification: Pathogenic for Steroid-resistant nephrotic syndrome. Last evaluated: 2025-10-21. Review status: criteria provided, single submitter. Criteria: Natera Variant Classification Schema (03/2026). Collection method: clinical testing. Allele origin: germline.
Comment: The c.538G>A variant in NPHS2 is a missense variant predicted to cause substitution of valine to methionine at amino acid 180. This variant is rare in the general population with a frequency below the threshold expected for the associated phenotype(s). This variant has been observed in one or more individuals affected with the associated recessive disease, as either homozygous or compound heterozygous with a second variant (PMID: 25349199). Additionally, this variant has been observed to segregate in affected family members (PMID: 25349199). Computational prediction algorithms indicate this variant is likely to affect gene or protein function. Given the available evidence, this variant is classified as Pathogenic.

3billion
Classification: Pathogenic for Nephrotic syndrome, type 2. Last evaluated: 2025-10-13. Review status: criteria provided, single submitter. Criteria: ACMG Guidelines, 2015. Collection method: clinical testing. Allele origin: germline. Affected: yes.
Comment: The variant is observed at an extremely low frequency in the gnomAD v4.1.0 dataset (total allele frequency: 0.002%). Predicted Consequence/Location: Missense variant In silico tool predictions suggest damaging effect of the variant on gene or gene product [REVEL: 0.69 (>=0.6, sensitivity 0.68 and specificity 0.92)]. The same nucleotide change resulting in the same amino acid change has been previously reported as pathogenic/likely pathogenic with strong evidence (ClinVar ID: VCV000005368 /PMID: 10742096 /3billion dataset). The variant has been observed in multiple (>3) similarly affected unrelated individuals (PMID: 25349199). The variant has been reported to be in trans with a pathogenic variant as either compound heterozygous or homozygous in at least 2 similarly affected unrelated individuals (PMID: 21125408, 25349199). The variant has been reported to co-segregate with the disease in at least one similarly affected relative/individual in the same family or similarly affected unrelated families (PMID: 21125408). Therefore, this variant is classified as Pathogenic according to the recommendation of ACMG/AMP guideline.

Labcorp Genetics (formerly Invitae), Labcorp
Classification: Pathogenic. Last evaluated: 2024-07-31. Review status: criteria provided, single submitter. Criteria: Invitae Variant Classification Sherloc (09022015). Collection method: clinical testing. Allele origin: germline.
Comment: This sequence change replaces valine, which is neutral and non-polar, with methionine, which is neutral and non-polar, at codon 180 of the NPHS2 protein (p.Val180Met). This variant is present in population databases (rs74315347, gnomAD 0.003%). This missense change has been observed in individuals with steroid-resistant nephrotic syndrome (PMID: 21125408, 25349199). It has also been observed to segregate with disease in related individuals. ClinVar contains an entry for this variant (Variation ID: 5368). Advanced modeling of protein sequence and biophysical properties (such as structural, functional, and spatial information, amino acid conservation, physicochemical variation, residue mobility, and thermodynamic stability) performed at Invitae indicates that this missense variant is not expected to disrupt NPHS2 protein function with a negative predictive value of 80%. Experimental studies are conflicting or provide insufficient evidence to determine the effect of this variant on NPHS2 function (PMID: 14675423, 15496146). For these reasons, this variant has been classified as Pathogenic.

Baylor Genetics
Classification: Pathogenic for Nephrotic syndrome, type 2. Last evaluated: 2024-03-28. Review status: criteria provided, single submitter. Criteria: ACMG Guidelines, 2015. Collection method: clinical testing. Allele origin: unknown.

Genomic Medicine Center of Excellence, King Faisal Specialist Hospital and Research Centre
Classification: Pathogenic for Nephrotic syndrome, type 2. Last evaluated: 2024-03-17. Review status: criteria provided, single submitter. Criteria: ACMG Guidelines, 2015. Collection method: research. Allele origin: germline.

Fulgent Genetics
Classification: Pathogenic for Nephrotic syndrome, type 2. Last evaluated: 2024-03-13. Review status: criteria provided, single submitter. Criteria: ACMG Guidelines, 2015. Collection method: clinical testing. Allele origin: germline.

Blueprint Genetics
Classification: Pathogenic for NPHS2-related disorders. Last evaluated: 2023-11-01. Review status: criteria provided, single submitter. Criteria: ACMG Guidelines, 2015. Collection method: clinical testing. Allele origin: germline. Affected: yes. Observed: 5 variant alleles.

Institute of Human Genetics Munich, TUM University Hospital
Classification: Pathogenic for Nephrotic syndrome, type 2. Last evaluated: 2023-07-13. Review status: criteria provided, single submitter. Criteria: Classification criteria August 2017. Collection method: clinical testing. Allele origin: germline. Inheritance: Autosomal recessive inheritance. Affected: yes. Observed: 1 variant allele.

Department of Pathology and Laboratory Medicine, Sinai Health System
Classification: Pathogenic for Nephrotic syndrome, type 2. Last evaluated: 2022-09-16. Review status: criteria provided, single submitter. Criteria: ACMG Guidelines, 2015. Collection method: research. Allele origin: germline.

Revvity Omics, Revvity
Classification: Pathogenic for Nephrotic syndrome, type 2. Last evaluated: 2022-08-31. Review status: criteria provided, single submitter. Criteria: ACMG Guidelines, 2015. Collection method: clinical testing. Allele origin: germline.

Laboratory of Medical Genetics, National & Kapodistrian University of Athens
Classification: Pathogenic for Nephrotic syndrome, type 2. Last evaluated: 2021-12-07. Review status: criteria provided, single submitter. Criteria: ACMG Guidelines, 2015. Collection method: clinical testing. Allele origin: germline. Affected: yes.
Comment: PS4, PM2, PM3, PP3, PP5

Genome-Nilou Lab
Classification: Pathogenic for Nephrotic syndrome, type 2. Last evaluated: 2021-07-22. Review status: criteria provided, single submitter. Criteria: ACMG Guidelines, 2015. Collection method: clinical testing. Allele origin: germline. Affected: no.

Women's Health and Genetics/Laboratory Corporation of America, LabCorp
Classification: Pathogenic for Idiopathic nephrotic syndrome. Last evaluated: 2020-07-03. Review status: criteria provided, single submitter. Criteria: LabCorp Variant Classification Summary - May 2015. Collection method: clinical testing. Allele origin: germline.
Comment: Variant summary: NPHS2 c.538G>A (p.Val180Met) results in a conservative amino acid change located in the Band 7 domain (IPR001107) of the encoded protein sequence. Four of five in-silico tools predict a damaging effect of the variant on protein function. The variant allele was found at a frequency of 1.2e-05 in 245560 control chromosomes (gnomAD). c.538G>A has been reported in the literature, either in homozygous state or in compound heterozygosity with another pathogenic variant, in multiple affected individuals (e.g. Sadowski 2015, Hinkes 2008, Weber 2004). These data indicate that the variant is very likely to be associated with disease. Though an in vitro study found that the variant V180M did not affect the targeting of the podocin protein to the plasma membrane (Roselli 2004), another study demonstrated that the variant podocin protein had drastically altered intracellular trafficking and subcellular localization (i.e. it was mostly found in inclusion bodies in the cytoplasm, and only a very small amount at the plasma membrane) and it also altered the trafficking and localization of wild-type nephrin in cotransfected cells (Nishibori 2004). Five clinical diagnostic laboratories have submitted clinical-significance assessments for this variant to ClinVar after 2014 without evidence for independent evaluation. All laboratories classified the variant as pathogenic. Based on the evidence outlined above, the variant was classified as pathogenic.

Athena Diagnostics
Classification: Pathogenic. Last evaluated: 2016-08-16. Review status: criteria provided, single submitter. Criteria: Athena Diagnostics Criteria. Collection method: clinical testing. Allele origin: germline.

Bioscientia Institut fuer Medizinische Diagnostik GmbH, Sonic Healthcare
Classification: Pathogenic for Nephrotic syndrome, type 2. Last evaluated: 2019-09-06. Review status: no assertion criteria provided. Collection method: clinical testing. Allele origin: germline. Affected: yes. Not counted in ClinVar's aggregate classification.

Gharavi Laboratory, Columbia University
Classification: Pathogenic. Last evaluated: 2018-09-16. Review status: no assertion criteria provided. Criteria: ACMG Guidelines, 2015. Collection method: research. Allele origin: germline. Affected: yes. Not counted in ClinVar's aggregate classification.

Counsyl
Classification: Pathogenic for Nephrotic syndrome, type 2. Last evaluated: 2016-08-15. Review status: no assertion criteria provided. Collection method: clinical testing. Allele origin: unknown. Not counted in ClinVar's aggregate classification.

OMIM
Classification: Pathogenic for NEPHROTIC SYNDROME, TYPE 2. Last evaluated: 2000-04-01. Review status: no assertion criteria provided. Collection method: literature only. Allele origin: germline. Not counted in ClinVar's aggregate classification.

Literature cited by the submitters: PubMed 25349199 (cited by 4 submitters); PubMed 10742096 (cited by 3 submitters); PubMed 21125408 (cited by 3 submitters); PubMed 14675423 (cited by 4 submitters); PubMed 15496146 (cited by 4 submitters); PubMed 15253708 (cited by 3 submitters); PubMed 18216321 (cited by Women's Health and Genetics/Laboratory Corporation of America, LabCorp); PubMed 23595123 (cited by Athena Diagnostics and Counsyl); PubMed 24072147 (cited by Athena Diagnostics and Counsyl); PubMed 15327385 (cited by Athena Diagnostics and Counsyl); PubMed 17218332 (cited by Athena Diagnostics); PubMed 18823551 (cited by Athena Diagnostics); PubMed 11805166 (cited by Athena Diagnostics and Counsyl); PubMed 12707396 (cited by Counsyl); PubMed 17899208 (cited by Counsyl); PubMed 8606597 (cited by OMIM).